The following is an entry in ClinVar:

ClinVar aggregate classification (germline): Uncertain significance (1 of 4 stars; one submission).

Submission:

GeneDx
Classification: Uncertain significance. Last evaluated: 2022-11-06. Review status: criteria provided, single submitter. Criteria: GeneDx Variant Classification Process June 2021. Collection method: clinical testing. Allele origin: germline. Affected: yes.
Comment: Not observed at significant frequency in large population cohorts (gnomAD); In silico analysis supports that this missense variant has a deleterious effect on protein structure/function; Has not been previously published as pathogenic or benign to our knowledge

NM_152296.5(ATP1A3):c.449C>A (p.Ser150Tyr)

Gene: ATP1A3 (ATPase Na+/K+ transporting subunit alpha 3; minus strand). Cytogenetic location: 19q13.2.
Variant type: single nucleotide variant.
Coding change: c.449C>A on transcript NM_152296.5 (MANE Select); coding-DNA position 449, C replaced by A.
Protein change: p.Ser150Tyr; replaces serine 150 with tyrosine.
Molecular consequence: missense variant.
Genome position (GRCh38, 1-based): chr19:41,986,138, G>T on the plus strand (C>A on the coding strand, the complement: ATP1A3 is on the minus strand). VCF-style: chr19-41986138-G-T. GRCh37 (hg19) VCF-style: chr19-42490290-G-T.
Other names: c.482C>A, p.Ser161Tyr (NM_001256213.2); c.488C>A, p.Ser163Tyr (NM_001256214.2); short protein forms S150Y, S161Y, S163Y.
Identifiers: ClinVar variation 2501561 (VCV002501561.1), dbSNP rs2514079452, ClinGen allele CA406055096.